The following is an entry in ClinVar:

ClinVar aggregate classification (germline): Conflicting classifications of pathogenicity. Review status: criteria provided, conflicting classifications (1 of 4 stars). 2 submissions from 2 submitters: Uncertain significance (1); Likely benign (1). Last evaluated 2024-11-15.

Conditions:
SLC35A2-congenital disorder of glycosylation. Also called: DEVELOPMENTAL AND EPILEPTIC ENCEPHALOPATHY 22; SLC35A2-CDG; EPILEPTIC ENCEPHALOPATHY, EARLY INFANTILE, 22; CONGENITAL DISORDER OF GLYCOSYLATION, TYPE IIm; CDG IIm; CONGENITAL DISORDER OF GLYCOSYLATION, TYPE IIm, SOMATIC MOSAIC. Identifiers: Orphanet 356961, MedGen C3806688, MONDO:0010478, OMIM 300896.

Allele frequency attached by ClinVar (database versions not stated): 1000 Genomes Project 30x 0.00021; 1000 Genomes Project 0.00026; TOPMed 0.00009; ExAC 0.00012; gnomAD exomes 0.00013.
gnomAD v4.1: 154 of 1,156,293 alleles (0.013%); highest among the groups gnomAD compares: Non-Finnish European, 0.016%; no homozygotes.

Submissions (2):

Blueprint Genetics
Classification: Likely benign. Last evaluated: 2024-11-15. Review status: criteria provided, single submitter. Criteria: ACMG Guidelines, 2015. Collection method: clinical testing. Allele origin: germline.

ARUP Laboratories, Molecular Genetics and Genomics, ARUP Laboratories
Classification: Uncertain significance for SLC35A2-congenital disorder of glycosylation. Last evaluated: 2023-09-12. Review status: criteria provided, single submitter. Criteria: ARUP Molecular Germline Variant Investigation Process 2024. Collection method: clinical testing. Allele origin: germline.
Comment: Due to limited information, including a lack of clinical and/or functional data and an uninformative population frequency, the clinical significance of this variant is uncertain at this time.

NC_000023.11:g.48911651G>T

Gene: SLC35A2 (solute carrier family 35 member A2; minus strand). Cytogenetic location: Xp11.23.
Variant type: single nucleotide variant.
Molecular consequence: intron variant (on NM_001282648.2).
Genome position: GRCh38 VCF-style: chrX-48911651-G-T. GRCh37 (hg19) VCF-style: chrX-48768928-G-T.
Other names: c.19+208C>A (NM_001282648.2).
Identifiers: ClinVar variation 2921062 (VCV002921062.2), dbSNP rs191194783, ClinGen allele CA10406224.